The following is an entry in ClinVar:

NM_014889.4(PITRM1):c.2006C>T (p.Ser669Phe)

Genes: PITRM1 (pitrilysin metallopeptidase 1; minus strand), PITRM1-AS1 (PITRM1 antisense RNA 1; plus strand). Cytogenetic location: 10p15.2.
Variant type: single nucleotide variant.
Coding change: c.2006C>T on transcript NM_014889.4 (MANE Select); coding-DNA position 2006, C replaced by T.
Protein change: p.Ser669Phe; replaces serine 669 with phenylalanine.
Molecular consequence: missense variant. On other transcripts: non-coding transcript variant (5), intron variant (4).
Genome position (GRCh38, 1-based): chr10:3,148,050, G>A on the plus strand (C>T on the coding strand, the complement: PITRM1 is on the minus strand). VCF-style: chr10-3148050-G-A. GRCh37 (hg19) VCF-style: chr10-3190242-G-A.
Other names: c.2009C>T, p.Ser670Phe (NM_001242307.2); c.1391C>T, p.Ser464Phe (NM_001347727.2); c.701C>T, p.Ser234Phe (NM_001347728.2); c.1982C>T, p.Ser661Phe (NM_001347729.1); c.1848-313C>T (NM_001347730.1); c.1776-313C>T (NM_001242309.1); c.1257-313C>T (NM_001347726.2); c.1872-313C>T (NM_001347725.2); short protein forms S234F, S464F, S661F, S669F, S670F.
Identifiers: ClinVar variation 3896943 (VCV003896943.1).

ClinVar aggregate classification (germline): Uncertain significance (1 of 4 stars; one submission).

Conditions:
Spinocerebellar ataxia, autosomal recessive 30. Identifiers: MedGen C5543620, MONDO:0030318, OMIM 619405.

Submission:

Kariminejad - Najmabadi Pathology & Genetics Center
Classification: Uncertain significance for Spinocerebellar ataxia, autosomal recessive 30. Last evaluated: 2024-06-12. Review status: criteria provided, single submitter. Criteria: ACMG Guidelines, 2015. Collection method: clinical testing. Allele origin: germline. Inheritance: Autosomal recessive inheritance. Affected: yes.
Comment: PM2 PP3_supporting